The following is an entry in ClinVar:

ClinVar aggregate classification (germline): Uncertain significance (1 of 4 stars; one submission).

Conditions:
Arrhythmogenic right ventricular dysplasia 13. Also called: ARRHYTHMOGENIC RIGHT VENTRICULAR CARDIOMYOPATHY 13; Arrhythmogenic right ventricular dysplasia, familial, 13. Identifiers: MedGen C3810138, MONDO:0000908, OMIM 615616.

Submission:

Labcorp Genetics (formerly Invitae), Labcorp
Classification: Uncertain significance for Arrhythmogenic right ventricular dysplasia, familial, 13. Last evaluated: 2019-10-02. Review status: criteria provided, single submitter. Criteria: Invitae Variant Classification Sherloc (09022015). Collection method: clinical testing. Allele origin: germline.
Comment: This variant is a gross deletion of the genomic region encompassing exons 8 - 9 of the CTNNA3 gene. This leads to an in-frame deletion, preserving the integrity of the reading frame. This in-frame deletion was reported in the literature in an individual affected with autism, but also in an unaffected family member (PMID: 25050139). Experimental studies and prediction algorithms are not available for this variant, and the functional significance of the deleted exons is currently unknown. In summary, this is a rare in-frame deletion with uncertain impact on protein function. There is no indication that this variant causes disease, but the evidence is insufficient at this time to prove that conclusively. Therefore, it has been classified as a Variant of Uncertain Significance.

Literature cited by the submitters: PubMed 25050139.

NC_000010.11:g.(?_66766254)_(66775534_?)del

Gene: CTNNA3 (catenin alpha 3; minus strand). Cytogenetic location: 10q21.3.
Variant type: Deletion.
Identifiers: ClinVar variation 654680 (VCV000654680.2).